The following is an entry in ClinVar:

NM_001377304.1(GFI1B):c.592G>A (p.Gly198Ser)

Gene: GFI1B (growth factor independent 1B transcriptional repressor; plus strand). Cytogenetic location: 9q34.13.
Variant type: single nucleotide variant.
Coding change: c.592G>A on transcript NM_001377304.1 (MANE Select); coding-DNA position 592, G replaced by A.
Protein change: p.Gly198Ser; replaces glycine 198 with serine.
Molecular consequence: missense variant. On other transcripts: intron variant (2).
Genome position (GRCh38, 1-based): chr9:132,989,142, G>A. VCF-style: chr9-132989142-G-A. GRCh37 (hg19) VCF-style: chr9-135864529-G-A.
Other names: c.592G>A, p.Gly198Ser (NM_001371908.1, NM_004188.8); c.511-600G>A (NM_001135031.2, NM_001377305.1); short protein forms G198S.
Identifiers: ClinVar variation 2499109 (VCV002499109.28), dbSNP rs370269669, ClinGen allele CA5302005.
Genomic context (GRCh38, chr9:132,989,142, plus strand): 5'-CTCGAAGTGCATGTGCGACGCTCCCATAGTGGGACCCGGCCCTTCGCCTGTGACATCTGC[G>A]GCAAAACCTTCGGCCACGCTGTGAGCCTGGAGCAGCACACGCACGTCCACTCCCAGGTGG-3'
Protein context (NP_001364233.1, residues 188-208): GTRPFACDIC[Gly198Ser]KTFGHAVSLE

ClinVar aggregate classification (germline): Likely benign (1 of 4 stars; one submission).

Allele frequency attached by ClinVar (database versions not stated): ExAC 0.00015; gnomAD 0.00018; 1000 Genomes Project 30x 0.00094; 1000 Genomes Project 0.00100.

Submission:

CeGaT Center for Human Genetics Tuebingen
Classification: Likely benign. Last evaluated: 2023-02-01. Review status: criteria provided, single submitter. Criteria: CeGaT Center For Human Genetics Tuebingen Variant Classification Criteria Version 2. Collection method: clinical testing. Allele origin: germline. Affected: yes. Observed: 1 variant allele.
Comment: GFI1B: BS3:Supporting